The following is an entry in ClinVar:

ClinVar aggregate classification (germline): Uncertain significance (1 of 4 stars; one submission).

Conditions:
Baller-Gerold syndrome (BGS). Also called: CRANIOSYNOSTOSIS WITH RADIAL DEFECTS. Identifiers: Orphanet 1225, MedGen C0265308, MONDO:0009039, OMIM 218600.

Allele frequency attached by ClinVar (database versions not stated): gnomAD exomes below 0.00001.
gnomAD v4.1: 3 of 1,600,610 alleles (0.00019%); highest among the groups gnomAD compares: Non-Finnish European, 0.00025%; no homozygotes.

Submission:

Labcorp Genetics (formerly Invitae), Labcorp
Classification: Uncertain significance for Baller-Gerold syndrome. Last evaluated: 2025-07-21. Review status: criteria provided, single submitter. Criteria: Invitae Variant Classification Sherloc (09022015). Collection method: clinical testing. Allele origin: germline.
Comment: This sequence change replaces proline, which is neutral and non-polar, with arginine, which is basic and polar, at codon 793 of the RECQL4 protein (p.Pro793Arg). This variant is not present in population databases (gnomAD no frequency). This variant has not been reported in the literature in individuals affected with RECQL4-related conditions. ClinVar contains an entry for this variant (Variation ID: 2778557). Invitae Evidence Modeling of protein sequence and biophysical properties (such as structural, functional, and spatial information, amino acid conservation, physicochemical variation, residue mobility, and thermodynamic stability) indicates that this missense variant is not expected to disrupt RECQL4 protein function with a negative predictive value of 80%. In summary, the available evidence is currently insufficient to determine the role of this variant in disease. Therefore, it has been classified as a Variant of Uncertain Significance.

NM_004260.4(RECQL4):c.2378C>G (p.Pro793Arg)

Gene: RECQL4 (RecQ like helicase 4; minus strand). Cytogenetic location: 8q24.3.
Variant type: single nucleotide variant.
Coding change: c.2378C>G on transcript NM_004260.4 (MANE Select); coding-DNA position 2378, C replaced by G.
Protein change: p.Pro793Arg; replaces proline 793 with arginine.
Molecular consequence: missense variant. On other transcripts: non-coding transcript variant (3), intron variant (3).
Genome position (GRCh38, 1-based): chr8:144,513,303, G>C on the plus strand (C>G on the coding strand, the complement: RECQL4 is on the minus strand). VCF-style: chr8-144513303-G-C. GRCh37 (hg19) VCF-style: chr8-145738686-G-C.
Other names: c.2249C>G, p.Pro750Arg (NM_001413025.1); c.1241C>G, p.Pro414Arg (NM_001413027.1, NM_001413030.1, NM_001413032.1 and 1 more transcripts); c.1307C>G, p.Pro436Arg (NM_001413028.1, NM_001413034.1, NM_001413035.1 and 5 more transcripts); c.2027C>G, p.Pro676Arg (NM_001413029.1); c.1109C>G, p.Pro370Arg (NM_001413031.1); c.2246C>G, p.Pro749Arg (NM_001413033.1); c.2378C>G, p.Pro793Arg (NM_001413036.1, NM_001413019.1); c.1175C>G, p.Pro392Arg (NM_001413037.1); and 7 more; short protein forms P414R, P749R, P783R, P392R, P426R, P436R, P750R, P761R.
Identifiers: ClinVar variation 2778557 (VCV002778557.3), dbSNP rs1034558903, ClinGen allele CA372678254.
Genomic context (GRCh38, chr8:144,513,303, plus strand): 5'-TGGGCAGGCTGCCCGTCACGCCCGGCCCGGCCCACGGCCTGCACGTAGCTCTCGAAGCTT[G>C]GGGGCAGCCCCAGATGCAGCACAGCCCGCACATCTGGCCGGTCCAGCCCCATCCCAAAGG-3'
Protein context (NP_004251.4, residues 783-803): VRAVLHLGLP[Pro793Arg]SFESYVQAVG